The following is an entry in ClinVar:

NM_001035.3(RYR2):c.9367T>C (p.Leu3123=)

Gene: RYR2 (ryanodine receptor 2; plus strand). Cytogenetic location: 1q43.
Variant type: single nucleotide variant.
Coding change: c.9367T>C on transcript NM_001035.3 (MANE Select); coding-DNA position 9367, T replaced by C.
Protein change: p.Leu3123=; no amino-acid change (leucine 3123 retained).
Molecular consequence: synonymous variant.
Genome position (GRCh38, 1-based): chr1:237,700,467, T>C. VCF-style: chr1-237700467-T-C. GRCh37 (hg19) VCF-style: chr1-237863767-T-C.
Identifiers: ClinVar variation 1052142 (VCV001052142.48), dbSNP rs2149032196, ClinGen allele CA424031559.

ClinVar aggregate classification (germline): Uncertain significance (1 of 4 stars; one submission).

Conditions:
Catecholaminergic polymorphic ventricular tachycardia 1. Also called: VENTRICULAR TACHYCARDIA, STRESS-INDUCED POLYMORPHIC 1; VENTRICULAR TACHYCARDIA, CATECHOLAMINERGIC POLYMORPHIC, 1, WITH OR WITHOUT ATRIAL DYSFUNCTION AND/OR DILATED CARDIOMYOPATHY; RYR2-Related Catecholaminergic Polymorphic Ventricular Tachycardia. Identifiers: Orphanet 3286, MedGen C1631597, MONDO:0011484, OMIM 604772.

Submission:

Labcorp Genetics (formerly Invitae), Labcorp
Classification: Uncertain significance for Catecholaminergic polymorphic ventricular tachycardia 1. Last evaluated: 2020-02-19. Review status: criteria provided, single submitter. Criteria: Invitae Variant Classification Sherloc (09022015). Collection method: clinical testing. Allele origin: germline.
Comment: In summary, the available evidence is currently insufficient to determine the role of this variant in disease. Therefore, it has been classified as a Variant of Uncertain Significance. Algorithms developed to predict the effect of sequence changes on RNA splicing suggest that this variant is not likely to affect RNA splicing, but this prediction has not been confirmed by published transcriptional studies. This variant has not been reported in the literature in individuals with RYR2-related conditions. This variant is not present in population databases (ExAC no frequency). This sequence change affects codon 3123 of the RYR2 mRNA. It is a 'silent' change, meaning that it does not change the encoded amino acid sequence of the RYR2 protein.